The following is an entry in ClinVar:

NM_178857.6(RP1L1):c.122G>A (p.Arg41Gln)

Gene: RP1L1 (RP1 like 1). Cytogenetic location: 8p23.1.
Variant type: single nucleotide variant.
Coding change: c.122G>A on transcript NM_178857.6 (MANE Select); coding-DNA position 122, G replaced by A.
Protein change: p.Arg41Gln; replaces arginine 41 with glutamine.
Molecular consequence: missense variant.
Genome position (GRCh38, 1-based): chr8:10,623,080, C>T on the plus strand (G>A on the coding strand, the complement: RP1L1 is on the minus strand). VCF-style: chr8-10623080-C-T. GRCh37 (hg19) VCF-style: chr8-10480590-C-T.
Other names: short protein forms R41Q.
Identifiers: ClinVar variation 361426 (VCV000361426.10), dbSNP rs536131729, ClinGen allele CA4625865.

ClinVar aggregate classification (germline): Conflicting classifications of pathogenicity. Review status: criteria provided, conflicting classifications (1 of 4 stars). 3 submissions from 3 submitters: Uncertain significance (2); Likely benign (1). Last evaluated 2024-01-10.

Conditions:
Occult macular dystrophy (OCMD). Also called: OMD; OCCULT MACULAR DYSTROPHY, SUSCEPTIBILITY TO. Identifiers: Orphanet 247834, MedGen C3150833, MONDO:0013316, OMIM 613587, HP:0030636.

Allele frequency attached by ClinVar (database versions not stated): TOPMed 0.00002; gnomAD exomes 0.00003; ExAC 0.00004; gnomAD 0.00004 and 0.00005; 1000 Genomes Project 0.00020; 1000 Genomes Project 30x 0.00031.

Submissions (3):

Blueprint Genetics
Classification: Uncertain significance. Last evaluated: 2024-01-10. Review status: criteria provided, single submitter. Criteria: ACMG Guidelines, 2015. Collection method: clinical testing. Allele origin: germline.

Labcorp Genetics (formerly Invitae), Labcorp
Classification: Uncertain significance. Last evaluated: 2022-07-23. Review status: criteria provided, single submitter. Criteria: Invitae Variant Classification Sherloc (09022015). Collection method: clinical testing. Allele origin: germline.
Comment: This sequence change replaces arginine, which is basic and polar, with glutamine, which is neutral and polar, at codon 41 of the RP1L1 protein (p.Arg41Gln). This variant is present in population databases (rs536131729, gnomAD 0.007%). This variant has not been reported in the literature in individuals affected with RP1L1-related conditions. ClinVar contains an entry for this variant (Variation ID: 361426). In summary, the available evidence is currently insufficient to determine the role of this variant in disease. Therefore, it has been classified as a Variant of Uncertain Significance. Advanced modeling of protein sequence and biophysical properties (such as structural, functional, and spatial information, amino acid conservation, physicochemical variation, residue mobility, and thermodynamic stability) performed at Invitae indicates that this missense variant is not expected to disrupt RP1L1 protein function.

Illumina Laboratory Services, Illumina
Classification: Likely benign for Occult macular dystrophy. Last evaluated: 2017-04-27. Review status: criteria provided, single submitter. Criteria: ICSL Variant Classification Criteria 13 December 2019. Collection method: clinical testing. Allele origin: germline.
Comment: This variant was observed as part of a predisposition screen in an ostensibly healthy population. A literature search was performed for the gene, cDNA change, and amino acid change (where applicable). No publications were found based on this search. Allele frequency data from public databases allowed determination this variant is unlikely to cause disease. Therefore, this variant is classified as likely benign.